The following is an entry in ClinVar:

NM_001286577.2(C2CD3):c.530A>G (p.His177Arg)

Gene: C2CD3 (C2 domain containing 3 centriole elongation regulator; minus strand). Cytogenetic location: 11q13.4.
Variant type: single nucleotide variant.
Coding change: c.530A>G on transcript NM_001286577.2 (MANE Select); coding-DNA position 530, A replaced by G.
Protein change: p.His177Arg; replaces histidine 177 with arginine.
Molecular consequence: missense variant.
Genome position (GRCh38, 1-based): chr11:74,139,782, T>C on the plus strand (A>G on the coding strand, the complement: C2CD3 is on the minus strand). VCF-style: chr11-74139782-T-C. GRCh37 (hg19) VCF-style: chr11-73850827-T-C.
Other names: c.530A>G, p.His177Arg (NM_015531.6); short protein forms H177R.
Identifiers: ClinVar variation 2099916 (VCV002099916.4), dbSNP rs779761794, ClinGen allele CA6183191.

ClinVar aggregate classification (germline): Uncertain significance (1 of 4 stars; one submission).

Allele frequency attached by ClinVar (database versions not stated): ExAC 0.00001; gnomAD exomes 0.00001.
gnomAD v4.1: 12 of 1,613,780 alleles (0.00074%); highest among the groups gnomAD compares: Non-Finnish European, 0.001%; no homozygotes.

Submission:

Labcorp Genetics (formerly Invitae), Labcorp
Classification: Uncertain significance. Last evaluated: 2024-10-08. Review status: criteria provided, single submitter. Criteria: Invitae Variant Classification Sherloc (09022015). Collection method: clinical testing. Allele origin: germline.
Comment: This sequence change replaces histidine, which is basic and polar, with arginine, which is basic and polar, at codon 177 of the C2CD3 protein (p.His177Arg). This variant is present in population databases (rs779761794, gnomAD 0.0009%). This variant has not been reported in the literature in individuals affected with C2CD3-related conditions. ClinVar contains an entry for this variant (Variation ID: 2099916). Invitae Evidence Modeling of protein sequence and biophysical properties (such as structural, functional, and spatial information, amino acid conservation, physicochemical variation, residue mobility, and thermodynamic stability) indicates that this missense variant is not expected to disrupt C2CD3 protein function with a negative predictive value of 80%. In summary, the available evidence is currently insufficient to determine the role of this variant in disease. Therefore, it has been classified as a Variant of Uncertain Significance.